The following is an entry in ClinVar:

ClinVar aggregate classification (germline): Uncertain significance (1 of 4 stars; one submission).

Submission:

Labcorp Genetics (formerly Invitae), Labcorp
Classification: Uncertain significance. Last evaluated: 2026-01-27. Review status: criteria provided, single submitter. Criteria: Invitae Variant Classification Sherloc (09022015). Collection method: clinical testing. Allele origin: germline.
Comment: This sequence change replaces glutamic acid, which is acidic and polar, with glutamine, which is neutral and polar, at codon 172 of the DCX protein (p.Glu172Gln). This variant is not present in population databases (gnomAD no frequency). This variant has not been reported in the literature in individuals affected with DCX-related conditions. Invitae Evidence Modeling of protein sequence and biophysical properties (such as structural, functional, and spatial information, amino acid conservation, physicochemical variation, residue mobility, and thermodynamic stability) indicates that this missense variant is not expected to disrupt DCX protein function with a negative predictive value of 80%. In summary, the available evidence is currently insufficient to determine the role of this variant in disease. Therefore, it has been classified as a Variant of Uncertain Significance.

NM_001195553.2(DCX):c.514G>C (p.Glu172Gln)

Gene: DCX (doublecortin; minus strand). Cytogenetic location: Xq23.
Variant type: single nucleotide variant.
Coding change: c.514G>C on transcript NM_001195553.2 (MANE Select); coding-DNA position 514, G replaced by C.
Protein change: p.Glu172Gln; replaces glutamic acid 172 with glutamine.
Molecular consequence: missense variant.
Genome position (GRCh38, 1-based): chrX:111,401,181, C>G on the plus strand (G>C on the coding strand, the complement: DCX is on the minus strand). VCF-style: chrX-111401181-C-G. GRCh37 (hg19) VCF-style: chrX-110644409-C-G.
Other names: c.514G>C, p.Glu172Gln (NM_001369370.1, NM_001369371.1, NM_001369372.1 and 6 more transcripts); c.757G>C, p.Glu253Gln (NM_000555.3); short protein forms E172Q, E253Q.
Identifiers: ClinVar variation 4776797 (VCV004776797.1).